The following is an entry in ClinVar:

ClinVar aggregate classification (germline): Uncertain significance. Review status: criteria provided, multiple submitters, no conflicts (2 of 4 stars). 2 submissions from 2 submitters: Uncertain significance (2). Last evaluated 2025-02-14.

Conditions:
Developmental and epileptic encephalopathy, 53. Also called: Epileptic encephalopathy, early infantile, 53. Identifiers: MedGen C4479313, MONDO:0033362, OMIM 617389.
Early-onset Parkinson disease 20. Also called: PARKINSON DISEASE 20, AUTOSOMAL RECESSIVE EARLY-ONSET. Identifiers: Orphanet 391411, MedGen C3809824, MONDO:0014233, OMIM 615530.
Inborn genetic diseases. Identifiers: MedGen C0950123, MeSH D030342.

Allele frequency attached by ClinVar (database versions not stated): gnomAD exomes 0.00001 and 0.00002; ExAC 0.00002; gnomAD 0.00002 and 0.00003; TOPMed 0.00004; 1000 Genomes Project 30x 0.00016; 1000 Genomes Project 0.00020.
gnomAD v4.1: 14 of 1,613,626 alleles (0.00087%); highest among the groups gnomAD compares: Admixed American, 0.017%; no homozygotes.

Submissions (2):

Ambry Genetics
Classification: Uncertain significance for Inborn genetic diseases. Last evaluated: 2025-02-14. Review status: criteria provided, single submitter. Criteria: Ambry Variant Classification Scheme 2023. Collection method: clinical testing. Allele origin: germline.

Labcorp Genetics (formerly Invitae), Labcorp
Classification: Uncertain significance for Developmental and epileptic encephalopathy, 53; Early-onset Parkinson disease 20. Last evaluated: 2022-08-21. Review status: criteria provided, single submitter. Criteria: Invitae Variant Classification Sherloc (09022015). Collection method: clinical testing. Allele origin: germline.
Comment: This sequence change replaces leucine, which is neutral and non-polar, with proline, which is neutral and non-polar, at codon 1280 of the SYNJ1 protein (p.Leu1280Pro). This variant is present in population databases (rs548516848, gnomAD 0.02%). This variant has not been reported in the literature in individuals affected with SYNJ1-related conditions. ClinVar contains an entry for this variant (Variation ID: 478350). Algorithms developed to predict the effect of missense changes on protein structure and function are either unavailable or do not agree on the potential impact of this missense change (SIFT: "Deleterious"; PolyPhen-2: "Benign"; Align-GVGD: "Class C65"). In summary, the available evidence is currently insufficient to determine the role of this variant in disease. Therefore, it has been classified as a Variant of Uncertain Significance.

NM_203446.3(SYNJ1):c.3722T>C (p.Leu1241Pro)

Gene: SYNJ1 (synaptojanin 1; minus strand). Cytogenetic location: 21q22.11.
Variant type: single nucleotide variant.
Coding change: c.3722T>C on transcript NM_203446.3 (MANE Select); coding-DNA position 3722, T replaced by C.
Protein change: p.Leu1241Pro; replaces leucine 1241 with proline.
Molecular consequence: missense variant.
Genome position (GRCh38, 1-based): chr21:32,639,101, A>G on the plus strand (T>C on the coding strand, the complement: SYNJ1 is on the minus strand). VCF-style: chr21-32639101-A-G. GRCh37 (hg19) VCF-style: chr21-34011411-A-G.
Other names: c.3674T>C, p.Leu1225Pro (NM_001160302.2); c.3581T>C, p.Leu1194Pro (NM_001160306.2); c.3839T>C, p.Leu1280Pro (NM_003895.4); short protein forms L1280P, L1194P, L1225P, L1241P.
Identifiers: ClinVar variation 478350 (VCV000478350.10), dbSNP rs548516848, ClinGen allele CA10003267.